The following is an entry in ClinVar:

NM_001943.5(DSG2):c.1798A>G (p.Arg600Gly)

Gene: DSG2 (desmoglein 2; plus strand). Cytogenetic location: 18q12.1.
Variant type: single nucleotide variant.
Coding change: c.1798A>G on transcript NM_001943.5 (MANE Select); coding-DNA position 1798, A replaced by G.
Protein change: p.Arg600Gly; replaces arginine 600 with glycine.
Molecular consequence: missense variant.
Genome position (GRCh38, 1-based): chr18:31,538,897, A>G. VCF-style: chr18-31538897-A-G. GRCh37 (hg19) VCF-style: chr18-29118860-A-G.
Other names: short protein forms R600G.
Identifiers: ClinVar variation 4614023 (VCV004614023.2).

ClinVar aggregate classification (germline): Uncertain significance (1 of 4 stars; one submission).

Conditions:
Cardiovascular phenotype. Identifiers: MedGen CN230736.

gnomAD v4.1: 1 of 1,614,078 alleles (0.000062%); highest among the groups gnomAD compares: Non-Finnish European, 0.000085%; no homozygotes.

Submission:

Ambry Genetics
Classification: Uncertain significance for Cardiovascular phenotype. Last evaluated: 2026-09-11. Review status: criteria provided, single submitter. Criteria: Ambry Variant Classification Scheme 2023. Collection method: clinical testing. Allele origin: germline.
Comment: The p.R600G variant (also known as c.1798A>G), located in coding exon 12 of the DSG2 gene, results from an A to G substitution at nucleotide position 1798. The arginine at codon 600 is replaced by glycine, an amino acid with dissimilar properties. This amino acid position is conserved. In addition, this alteration is predicted to be tolerated by in silico analysis. Based on the available evidence, the clinical significance of this variant remains unclear.